The following is an entry in ClinVar:

NM_000203.5(IDUA):c.1772C>T (p.Ala591Val)

Gene: IDUA (alpha-L-iduronidase; plus strand). Cytogenetic location: 4p16.3.
Variant type: single nucleotide variant.
Coding change: c.1772C>T on transcript NM_000203.5 (MANE Select); coding-DNA position 1772, C replaced by T.
Protein change: p.Ala591Val; replaces alanine 591 with valine.
Molecular consequence: missense variant. On other transcripts: non-coding transcript variant (1).
Genome position (GRCh38, 1-based): chr4:1,004,056, C>T. VCF-style: chr4-1004056-C-T. GRCh37 (hg19) VCF-style: chr4-997844-C-T.
Other names: c.1376C>T, p.Ala459Val (NM_001363576.1); c.1772C>T (NM_000203.3); short protein forms A591V, A459V.
Identifiers: ClinVar variation 283362 (VCV000283362.8), dbSNP rs138826105, ClinGen allele CA2802402.

ClinVar aggregate classification (germline): Conflicting classifications of pathogenicity. Review status: criteria provided, conflicting classifications (1 of 4 stars). 3 submissions from 3 submitters: Uncertain significance (2); Likely benign (1). Last evaluated 2025-07-24.

Conditions:
Mucopolysaccharidosis type 1. Also called: IDUA deficiency; MPS I. Identifiers: Orphanet 579, MedGen C0023786, MONDO:0001586.
Inborn genetic diseases. Identifiers: MedGen C0950123, MeSH D030342.

Allele frequency attached by ClinVar (database versions not stated): ExAC 0.00001; gnomAD exomes 0.00002; TOPMed 0.00005; gnomAD 0.00006; ESP Exome Variant Server 0.00008.
gnomAD v4.1: 46 of 1,612,272 alleles (0.0029%); highest among the groups gnomAD compares: African/African-American, 0.034%; no homozygotes.

Submissions (3):

Ambry Genetics
Classification: Likely benign for Inborn genetic diseases. Last evaluated: 2025-07-24. Review status: criteria provided, single submitter. Criteria: Ambry Variant Classification Scheme 2023. Collection method: clinical testing. Allele origin: germline.

Labcorp Genetics (formerly Invitae), Labcorp
Classification: Uncertain significance for Mucopolysaccharidosis type 1. Last evaluated: 2021-08-27. Review status: criteria provided, single submitter. Criteria: Invitae Variant Classification Sherloc (09022015). Collection method: clinical testing. Allele origin: germline.
Comment: This sequence change replaces alanine with valine at codon 591 of the IDUA protein (p.Ala591Val). The alanine residue is weakly conserved and there is a small physicochemical difference between alanine and valine. This variant is present in population databases (rs138826105, ExAC 0.01%). This variant has not been reported in the literature in individuals affected with IDUA-related conditions. ClinVar contains an entry for this variant (Variation ID: 283362). Algorithms developed to predict the effect of missense changes on protein structure and function output the following: SIFT: "Tolerated"; PolyPhen-2: "Benign"; Align-GVGD: "Class C0". The valine amino acid residue is found in multiple mammalian species, which suggests that this missense change does not adversely affect protein function. Algorithms developed to predict the effect of sequence changes on RNA splicing suggest that this variant may create or strengthen a splice site. In summary, the available evidence is currently insufficient to determine the role of this variant in disease. Therefore, it has been classified as a Variant of Uncertain Significance.

Eurofins Ntd Llc (ga)
Classification: Uncertain significance. Last evaluated: 2015-10-01. Review status: criteria provided, single submitter. Criteria: EGL Classification Definitions 2015. Collection method: clinical testing. Allele origin: germline. Observed: 1 variant allele, 1 heterozygote.